The following is an entry in ClinVar:

NM_007180.3(TREH):c.1457G>A (p.Arg486Gln)

Gene: TREH (trehalase; minus strand). Cytogenetic location: 11q23.3.
Variant type: single nucleotide variant.
Coding change: c.1457G>A on transcript NM_007180.3 (MANE Select); coding-DNA position 1457, G replaced by A.
Protein change: p.Arg486Gln; replaces arginine 486 with glutamine.
Molecular consequence: missense variant.
Genome position (GRCh38, 1-based): chr11:118,658,993, C>T on the plus strand (G>A on the coding strand, the complement: TREH is on the minus strand). VCF-style: chr11-118658993-C-T. GRCh37 (hg19) VCF-style: chr11-118529702-C-T.
Other names: c.1364G>A, p.Arg455Gln (NM_001301065.2); short protein forms R486Q, R455Q.
Identifiers: ClinVar variation 2344993 (VCV002344993.4), dbSNP rs202164923, ClinGen allele CA6307793.

ClinVar aggregate classification (germline): Uncertain significance. Review status: criteria provided, single submitter (1 of 4 stars). 2 submissions from 2 submitters: Uncertain significance (1). 1 of the submissions does not count toward it. Last evaluated 2021-09-14.

Conditions:
TREH-related disorder. Also called: TREH-related condition.

Allele frequency attached by ClinVar (database versions not stated): gnomAD exomes 0.00023; ESP Exome Variant Server 0.00024; gnomAD 0.00029; ExAC 0.00038; TOPMed 0.00042.
gnomAD v4.1: 403 of 1,613,674 alleles (0.025%); highest among the groups gnomAD compares: African/African-American, 0.033%; 1 homozygote.

Submissions (2):

Ambry Genetics
Classification: Uncertain significance. Last evaluated: 2021-09-14. Review status: criteria provided, single submitter. Criteria: Ambry Variant Classification Scheme 2023. Collection method: clinical testing. Allele origin: germline.

PreventionGenetics, part of Exact Sciences
Classification: Likely benign for TREH-related condition. Last evaluated: 2019-09-05. Review status: no assertion criteria provided. Collection method: clinical testing. Allele origin: germline. Not counted in ClinVar's aggregate classification.
Comment: This variant is classified as likely benign based on ACMG/AMP sequence variant interpretation guidelines (Richards et al. 2015 PMID: 25741868, with internal and published modifications).